The following is an entry in ClinVar:

ClinVar aggregate classification (germline): Conflicting classifications of pathogenicity. Review status: criteria provided, conflicting classifications (1 of 4 stars). 7 submissions from 6 submitters: Uncertain significance (4); Likely benign (2). 1 of the submissions does not count toward it. Last evaluated 2024-10-31.

Conditions:
Encephalopathy due to GLUT1 deficiency. Also called: Glucose transporter protein syndrome; GLUT1 deficiency syndrome 1, infantile onset, severe; GLUCOSE TRANSPORT DEFECT, BLOOD-BRAIN BARRIER; De Vivo disease; GLUT1 deficiency syndrome 1; Classic Glucose Transporter Type 1 Deficiency Syndrome. Identifiers: Orphanet 71277, MedGen C4551966, MONDO:0011724, OMIM 606777.
Childhood onset GLUT1 deficiency syndrome 2. Also called: PxMD-SLC2A1; Exertion-induced paroxysmal dyskinesia; Paroxysmal exercise-induced dystonia; PAROXYSMAL EXERCISE-INDUCED DYSKINESIA WITH OR WITHOUT EPILEPSY AND/OR HEMOLYTIC ANEMIA; PAROXYSMAL EXERTION-INDUCED DYSTONIA WITH OR WITHOUT EPILEPSY AND/OR HEMOLYTIC ANEMIA; PED WITH OR WITHOUT EPILEPSY AND/OR HEMOLYTIC ANEMIA. Identifiers: Orphanet 98811, MedGen C1842534, MONDO:0012805, OMIM 612126.
Hereditary cryohydrocytosis with reduced stomatin. Also called: Stomatin-deficient cryohydrocytosis with neurologic defects; GLUT1 DEFICIENCY SYNDROME WITH PSEUDOHYPERKALEMIA AND HEMOLYSIS. Identifiers: Orphanet 168577, MedGen C1837206, MONDO:0012143, OMIM 608885.
Epilepsy, idiopathic generalized, susceptibility to, 12 (EIG12). Identifiers: MedGen C3553859, MONDO:0013919, OMIM 614847.
SLC2A1-related disorder. Also called: SLC2A1-related disorders; SLC2A1-related condition.
Dystonia 9 (DYT9). Also called: CHOREOATHETOSIS, KINESIGENIC, WITH EPISODIC ATAXIA AND SPASTICITY. Identifiers: Orphanet 53583, MedGen C1832855, MONDO:0010983, OMIM 601042.
GLUT1 deficiency syndrome 1, autosomal recessive. Identifiers: MedGen C3149117.

Allele frequency attached by ClinVar (database versions not stated): gnomAD exomes 0.00001; ExAC 0.00002; gnomAD 0.00003; TOPMed 0.00003; 1000 Genomes Project 30x 0.00016; 1000 Genomes Project 0.00020.
gnomAD v4.1: 27 of 1,600,796 alleles (0.0017%); highest among the groups gnomAD compares: Middle Eastern, 0.017%; no homozygotes.

Submissions (7):

Labcorp Genetics (formerly Invitae), Labcorp
Classification: Uncertain significance for GLUT1 deficiency syndrome 1, autosomal recessive. Last evaluated: 2024-10-31. Review status: criteria provided, single submitter. Criteria: Invitae Variant Classification Sherloc (09022015). Collection method: clinical testing. Allele origin: germline.
Comment: This sequence change replaces valine, which is neutral and non-polar, with methionine, which is neutral and non-polar, at codon 105 of the SLC2A1 protein (p.Val105Met). This variant is present in population databases (rs577667739, gnomAD 0.008%). This variant has not been reported in the literature in individuals affected with SLC2A1-related conditions. ClinVar contains an entry for this variant (Variation ID: 207189). Invitae Evidence Modeling of protein sequence and biophysical properties (such as structural, functional, and spatial information, amino acid conservation, physicochemical variation, residue mobility, and thermodynamic stability) indicates that this missense variant is not expected to disrupt SLC2A1 protein function with a negative predictive value of 95%. In summary, the available evidence is currently insufficient to determine the role of this variant in disease. Therefore, it has been classified as a Variant of Uncertain Significance.

Blueprint Genetics
Classification: Likely benign. Last evaluated: 2024-06-10. Review status: criteria provided, single submitter. Criteria: ACMG Guidelines, 2015. Collection method: clinical testing. Allele origin: germline.

Institute of Human Genetics, Clinical Exome/Genome Diagnostics Group, University Hospital Bonn
Classification: Uncertain significance for Epilepsy, idiopathic generalized, susceptibility to, 12; Encephalopathy due to GLUT1 deficiency; Childhood onset GLUT1 deficiency syndrome 2; Hereditary cryohydrocytosis with reduced stomatin. Last evaluated: 2023-04-13. Review status: criteria provided, single submitter. Criteria: ACMG Guidelines, 2015. Collection method: clinical testing. Allele origin: germline.

GeneDx
Classification: Likely benign. Last evaluated: 2019-05-24. Review status: criteria provided, single submitter. Criteria: GeneDx Variant Classification Process June 2021. Collection method: clinical testing. Allele origin: germline. Affected: yes.

Illumina Laboratory Services, Illumina
Classification: Uncertain significance for Encephalopathy due to GLUT1 deficiency. Last evaluated: 2018-01-13. Review status: criteria provided, single submitter. Criteria: ICSL Variant Classification Criteria 13 December 2019. Collection method: clinical testing. Allele origin: germline.

Illumina Laboratory Services, Illumina
Classification: Uncertain significance for Dystonia 9. Last evaluated: 2018-01-13. Review status: criteria provided, single submitter. Criteria: ICSL Variant Classification Criteria 13 December 2019. Collection method: clinical testing. Allele origin: germline.

PreventionGenetics, part of Exact Sciences
Classification: Uncertain significance for SLC2A1-related condition. Last evaluated: 2023-12-27. Review status: no assertion criteria provided. Collection method: clinical testing. Allele origin: germline. Not counted in ClinVar's aggregate classification.
Comment: The SLC2A1 c.313G>A variant is predicted to result in the amino acid substitution p.Val105Met. To our knowledge, this variant has not been reported in the literature. This variant is reported in 0.0080% of alleles in individuals of African descent in gnomAD. At this time, the clinical significance of this variant is uncertain due to the absence of conclusive functional and genetic evidence.

NM_006516.4(SLC2A1):c.313G>A (p.Val105Met)

Gene: SLC2A1 (solute carrier family 2 member 1; minus strand). Cytogenetic location: 1p34.2.
Variant type: single nucleotide variant.
Coding change: c.313G>A on transcript NM_006516.4 (MANE Select); coding-DNA position 313, G replaced by A.
Protein change: p.Val105Met; replaces valine 105 with methionine.
Molecular consequence: missense variant.
Genome position (GRCh38, 1-based): chr1:42,930,829, C>T on the plus strand (G>A on the coding strand, the complement: SLC2A1 is on the minus strand). VCF-style: chr1-42930829-C-T. GRCh37 (hg19) VCF-style: chr1-43396500-C-T.
Other names: p.V105M:GTG>ATG; c.313G>A (NM_006516.3); short protein forms V105M.
Identifiers: ClinVar variation 207189 (VCV000207189.19), dbSNP rs577667739, ClinGen allele CA318425.